The following is an entry in ClinVar:

NM_000257.4(MYH7):c.2734A>C (p.Lys912Gln)

Gene: MYH7 (myosin heavy chain 7; minus strand). Cytogenetic location: 14q11.2.
Variant type: single nucleotide variant.
Coding change: c.2734A>C on transcript NM_000257.4 (MANE Select); coding-DNA position 2734, A replaced by C.
Protein change: p.Lys912Gln; replaces lysine 912 with glutamine.
Molecular consequence: missense variant.
Genome position (GRCh38, 1-based): chr14:23,424,095, T>G on the plus strand (A>C on the coding strand, the complement: MYH7 is on the minus strand). VCF-style: chr14-23424095-T-G. GRCh37 (hg19) VCF-style: chr14-23893304-T-G.
Other names: p.K912Q:AAG>CAG; c.2734A>C (LRG_384t1); short protein forms K912Q.
Identifiers: ClinVar variation 181204 (VCV000181204.2), dbSNP rs730880758, ClinGen allele CA012978.
Genomic context (GRCh38, chr14:23,424,095, plus strand): 5'-TCTCCTCCTCATCCTCCAGCCTCTCGTTCATCTCCTTCACCTTGGCCTCCAGCTGAATCT[T>G]GTTTTTGATCAGCTGATCACAGCGCTCCTCAGCATCTGCCAGGTTGTCTTGTTCCTGAAG-3'
Protein context (NP_000248.2, residues 902-922): EERCDQLIKN[Lys912Gln]IQLEAKVKEM

ClinVar aggregate classification (germline): Likely pathogenic (1 of 4 stars; one submission).

Allele frequency attached by ClinVar (database versions not stated): TOPMed below 0.00001.

Submission:

GeneDx
Classification: Likely pathogenic. Last evaluated: 2015-03-04. Review status: criteria provided, single submitter. Criteria: GeneDx Variant Classification (06012015). Collection method: clinical testing. Allele origin: germline. Affected: yes.
Comment: The Lys912Gln variant in the MYH7 gene has not been reported as a disease-causing mutation or as a benign polymorphism to our knowledge. Lys912Gln results in a non-conservative amino acid substitution of a positively charged Lysine residue with a neutral, polar Glutamine residue at a position that is conserved across species. In silico analysis predicts Lys912Gln is probably damaging to the protein structure/function. Mutations in nearby residues (Cys905Arg, Cys905Phe, Leu908Val, Asp908Gly, Ile909Met, Lys910Gln, Glu921Lys) have been reported in association with cardiomyopathy, further supporting the functional importance of this region of the protein. Furthermore, the Lys912Gln variant was not observed in approximately 6,500 individuals of European and African American ancestry in the NHLBI Exome Sequencing Project, indicating it is not a common benign variant in these populations. In summary, Lys912Gln is a good candidate for a disease-causing mutation. The variant is found in HCM panel(s).